The following is an entry in ClinVar:

NM_000291.4(PGK1):c.461T>C (p.Leu154Pro)

Gene: PGK1 (phosphoglycerate kinase 1; plus strand). Cytogenetic location: Xq21.1.
Variant type: single nucleotide variant.
Coding change: c.461T>C on transcript NM_000291.4 (MANE Select); coding-DNA position 461, T replaced by C.
Protein change: p.Leu154Pro; replaces leucine 154 with proline.
Molecular consequence: missense variant.
Genome position (GRCh38, 1-based): chrX:78,117,355, T>C. VCF-style: chrX-78117355-T-C. GRCh37 (hg19) VCF-style: chrX-77372852-T-C.
Other names: short protein forms L154P.
Identifiers: ClinVar variation 499279 (VCV000499279.6), dbSNP rs1557247556, ClinGen allele CA413721114.

ClinVar aggregate classification (germline): Conflicting classifications of pathogenicity. Review status: criteria provided, conflicting classifications (1 of 4 stars). 2 submissions from 2 submitters: Pathogenic (1); Uncertain significance (1). Last evaluated 2022-12-29.

Conditions:
Glycogen storage disease due to phosphoglycerate kinase 1 deficiency. Also called: PHOSPHOGLYCERATE KINASE 1 DEFICIENCY WITH LEVO-DOPA-RESPONSIVE PARKINSONISM; PGK1 DEFICIENCY. Identifiers: Orphanet 713, MedGen C1970848, MONDO:0010392, OMIM 300653.

Submissions (2):

ARUP Laboratories, Molecular Genetics and Genomics, ARUP Laboratories
Classification: Pathogenic for Glycogen storage disease due to phosphoglycerate kinase 1 deficiency. Last evaluated: 2022-12-29. Review status: criteria provided, single submitter. Criteria: ARUP Molecular Germline Variant Investigation Process 2024. Collection method: clinical testing. Allele origin: germline.
Comment: The PGK1 c.461T>C; This variant is reported in ClinVar (Variation ID: 499279). The variant is also absent from the Genome Aggregation Database, indicating it is not a common polymorphism. The leucine at codon 154 is highly conserved, and computational analyses predict that this variant is deleterious (REVEL: 0.981). Based on available information, this variant is considered to be pathogenic. REFERENCES Ward SK et al. Therapeutic Benefit of Blood Transfusion in a Patient With Novel PGK1 Mutation (c.461T>C [p.L154P]). J Pediatr Hematol Oncol. 2020 May. PMID: 30951021

Eurofins Ntd Llc (ga)
Classification: Uncertain significance. Last evaluated: 2016-12-23. Review status: criteria provided, single submitter. Criteria: EGL Classification Definitions 2015. Collection method: clinical testing. Allele origin: germline. Observed: 1 variant allele, 1 hemizygote.